The following is an entry in ClinVar:

NM_198586.3(NHLRC1):c.293G>T (p.Arg98Leu)

Gene: NHLRC1 (NHL repeat containing E3 ubiquitin protein ligase 1; minus strand). Cytogenetic location: 6p22.3.
Variant type: single nucleotide variant.
Coding change: c.293G>T on transcript NM_198586.3 (MANE Select); coding-DNA position 293, G replaced by T.
Protein change: p.Arg98Leu; replaces arginine 98 with leucine.
Molecular consequence: missense variant.
Genome position (GRCh38, 1-based): chr6:18,122,314, C>A on the plus strand (G>T on the coding strand, the complement: NHLRC1 is on the minus strand). VCF-style: chr6-18122314-C-A. GRCh37 (hg19) VCF-style: chr6-18122545-C-A.
Other names: short protein forms R98L.
Identifiers: ClinVar variation 1430308 (VCV001430308.6), dbSNP rs1340355518, ClinGen allele CA362828961.

ClinVar aggregate classification (germline): Uncertain significance (1 of 4 stars; one submission).

Conditions:
Lafora disease. Also called: Epilepsy progressive myoclonic 2. Identifiers: Orphanet 501, MedGen C0751783, MONDO:0009697.

Submission:

Labcorp Genetics (formerly Invitae), Labcorp
Classification: Uncertain significance for Lafora disease. Last evaluated: 2023-12-11. Review status: criteria provided, single submitter. Criteria: Invitae Variant Classification Sherloc (09022015). Collection method: clinical testing. Allele origin: germline.
Comment: This sequence change replaces arginine, which is basic and polar, with leucine, which is neutral and non-polar, at codon 98 of the NHLRC1 protein (p.Arg98Leu). This variant is not present in population databases (gnomAD no frequency). This variant has not been reported in the literature in individuals affected with NHLRC1-related conditions. ClinVar contains an entry for this variant (Variation ID: 1430308). Advanced modeling of protein sequence and biophysical properties (such as structural, functional, and spatial information, amino acid conservation, physicochemical variation, residue mobility, and thermodynamic stability) performed at Invitae indicates that this missense variant is not expected to disrupt NHLRC1 protein function with a negative predictive value of 95%. In summary, the available evidence is currently insufficient to determine the role of this variant in disease. Therefore, it has been classified as a Variant of Uncertain Significance.